The following is an entry in ClinVar:

NM_014444.5(TUBGCP4):c.680T>C (p.Ile227Thr)

Gene: TUBGCP4 (tubulin gamma complex component 4; plus strand). Cytogenetic location: 15q15.3.
Variant type: single nucleotide variant.
Coding change: c.680T>C on transcript NM_014444.5 (MANE Select); coding-DNA position 680, T replaced by C.
Protein change: p.Ile227Thr; replaces isoleucine 227 with threonine.
Molecular consequence: missense variant.
Genome position (GRCh38, 1-based): chr15:43,383,461, T>C. VCF-style: chr15-43383461-T-C. GRCh37 (hg19) VCF-style: chr15-43675659-T-C.
Other names: c.680T>C, p.Ile227Thr (NM_001286414.3); c.680T>C (NM_014444.2); short protein forms I227T.
Identifiers: ClinVar variation 1479165 (VCV001479165.7), dbSNP rs1204903880, ClinGen allele CA392120326.

ClinVar aggregate classification (germline): Uncertain significance. Review status: criteria provided, multiple submitters, no conflicts (2 of 4 stars). 2 submissions from 2 submitters: Uncertain significance (2). Last evaluated 2024-04-23.

Conditions:
Inborn genetic diseases. Identifiers: MedGen C0950123, MeSH D030342.

Allele frequency attached by ClinVar (database versions not stated): gnomAD exomes below 0.00001; gnomAD 0.00001.
gnomAD v4.1: 3 of 1,613,256 alleles (0.00019%); highest among the groups gnomAD compares: Non-Finnish European, 0.00025%; no homozygotes.

Submissions (2):

Ambry Genetics
Classification: Uncertain significance for Inborn genetic diseases. Last evaluated: 2024-04-23. Review status: criteria provided, single submitter. Criteria: Ambry Variant Classification Scheme 2023. Collection method: clinical testing. Allele origin: germline.

Labcorp Genetics (formerly Invitae), Labcorp
Classification: Uncertain significance. Last evaluated: 2021-08-16. Review status: criteria provided, single submitter. Criteria: Invitae Variant Classification Sherloc (09022015). Collection method: clinical testing. Allele origin: germline.
Comment: This sequence change replaces isoleucine with threonine at codon 227 of the TUBGCP4 protein (p.Ile227Thr). The isoleucine residue is moderately conserved and there is a moderate physicochemical difference between isoleucine and threonine. This variant is not present in population databases (ExAC no frequency). This variant has not been reported in the literature in individuals affected with TUBGCP4-related conditions. Algorithms developed to predict the effect of missense changes on protein structure and function are either unavailable or do not agree on the potential impact of this missense change (SIFT: "Deleterious"; PolyPhen-2: "Benign"; Align-GVGD: "Class C0"). In summary, the available evidence is currently insufficient to determine the role of this variant in disease. Therefore, it has been classified as a Variant of Uncertain Significance.